The following is an entry in ClinVar:

ClinVar aggregate classification (germline): Likely pathogenic (0 of 4 stars; one submission).

Conditions:
SOX4-related disorder. Also called: SOX4-related condition.

Submission:

PreventionGenetics, part of Exact Sciences
Classification: Likely pathogenic for SOX4-related condition. Last evaluated: 2024-04-11. Review status: no assertion criteria provided. Collection method: clinical testing. Allele origin: germline.
Comment: The SOX4 c.744_745delinsA variant is predicted to result in a frameshift and premature protein termination (p.Leu250Trpfs*44). To our knowledge, this variant has not been reported in the literature or in a large population database, indicating this variant is rare. Frameshift variants in SOX4 are expected to be pathogenic. This variant is interpreted as likely pathogenic.

NM_003107.3(SOX4):c.744_745delinsA (p.Leu250fs)

Gene: SOX4 (SRY-box transcription factor 4; plus strand). Cytogenetic location: 6p22.3.
Variant type: Indel.
Coding change: c.744_745delinsA on transcript NM_003107.3 (MANE Select); coding-DNA positions 744 to 745, GC replaced by A.
Protein change: p.Leu250fs; shifts the reading frame from leucine 250.
Molecular consequence: frameshift variant.
Genome position (GRCh38, 1-based): chr6:21,595,278-21,595,279, GC replaced by A. VCF-style: chr6-21595278-GC-A. GRCh37 (hg19) VCF-style: chr6-21595509-GC-A.
Other names: short protein forms L250fs.
Identifiers: ClinVar variation 3347110 (VCV003347110.1).
Genomic context (GRCh38, chr6:21,595,278, plus strand): 5'-AGCAGCGGCTGCCGCCGCCGCCTCCTTCGCCGCCGAACAGGCGGGGGCCGCCGCCCTGCT[GC>A]CCCTGGGCGCCGCCGCCGACCACCACTCGCTGTACAAGGCGCGGACTCCCAGCGCCTCGG-3'